The following is an entry in ClinVar:

ClinVar aggregate classification (germline): Uncertain significance. Review status: criteria provided, multiple submitters, no conflicts (2 of 4 stars). 2 submissions from 2 submitters: Uncertain significance (2). Last evaluated 2025-07-09.

Conditions:
Cardiovascular phenotype. Identifiers: MedGen CN230736.
Spinocerebellar ataxia type 19/22 (SCA19). Also called: SPINOCEREBELLAR ATAXIA 19; SPINOCEREBELLAR ATAXIA 22. Identifiers: Orphanet 98772, MedGen C1846367, MONDO:0011819, OMIM 607346.

Allele frequency attached by ClinVar (database versions not stated): gnomAD exomes 0.00001; TOPMed 0.00001; gnomAD 0.00002; ESP Exome Variant Server 0.00008.
gnomAD v4.1: 15 of 1,613,938 alleles (0.00093%); highest among the groups gnomAD compares: African/African-American, 0.0027%; no homozygotes.

Submissions (2):

Labcorp Genetics (formerly Invitae), Labcorp
Classification: Uncertain significance for Spinocerebellar ataxia type 19/22. Last evaluated: 2025-07-09. Review status: criteria provided, single submitter. Criteria: Invitae Variant Classification Sherloc (09022015). Collection method: clinical testing. Allele origin: germline.
Comment: This sequence change replaces alanine, which is neutral and non-polar, with threonine, which is neutral and polar, at codon 172 of the KCND3 protein (p.Ala172Thr). This variant is present in population databases (rs149488365, gnomAD 0.002%). This variant has not been reported in the literature in individuals affected with KCND3-related conditions. ClinVar contains an entry for this variant (Variation ID: 519447). Invitae Evidence Modeling of protein sequence and biophysical properties (such as structural, functional, and spatial information, amino acid conservation, physicochemical variation, residue mobility, and thermodynamic stability) has been performed for this missense variant. However, the output from this modeling did not meet the statistical confidence thresholds required to predict the impact of this variant on KCND3 protein function. In summary, the available evidence is currently insufficient to determine the role of this variant in disease. Therefore, it has been classified as a Variant of Uncertain Significance.

Ambry Genetics
Classification: Uncertain significance for Cardiovascular phenotype. Last evaluated: 2017-05-16. Review status: criteria provided, single submitter. Criteria: Ambry Variant Classification Scheme 2023. Collection method: clinical testing. Allele origin: germline.
Comment: The p.A172T variant (also known as c.514G>A), located in coding exon 1 of the KCND3 gene, results from a G to A substitution at nucleotide position 514. The alanine at codon 172 is replaced by threonine, an amino acid with similar properties. This amino acid position is highly conserved in available vertebrate species. In addition, this alteration is predicted to be deleterious by in silico analysis. Since supporting evidence is limited at this time, the clinical significance of this alteration remains unclear.

NM_001378969.1(KCND3):c.514G>A (p.Ala172Thr)

Gene: KCND3 (potassium voltage-gated channel subfamily D member 3; minus strand). Cytogenetic location: 1p13.2.
Variant type: single nucleotide variant.
Coding change: c.514G>A on transcript NM_001378969.1 (MANE Select); coding-DNA position 514, G replaced by A.
Protein change: p.Ala172Thr; replaces alanine 172 with threonine.
Molecular consequence: missense variant.
Genome position (GRCh38, 1-based): chr1:111,982,213, C>T on the plus strand (G>A on the coding strand, the complement: KCND3 is on the minus strand). VCF-style: chr1-111982213-C-T. GRCh37 (hg19) VCF-style: chr1-112524835-C-T.
Other names: c.514G>A, p.Ala172Thr (NM_001378970.1, NM_004980.5, NM_172198.3); short protein forms A172T.
Identifiers: ClinVar variation 519447 (VCV000519447.10), dbSNP rs149488365, ClinGen allele CA29326299.